The following is an entry in ClinVar:

NM_032043.3(BRIP1):c.2288G>A (p.Gly763Asp)

Gene: BRIP1 (BRCA1 interacting DNA helicase 1; minus strand). Cytogenetic location: 17q23.2.
Variant type: single nucleotide variant.
Coding change: c.2288G>A on transcript NM_032043.3 (MANE Select); coding-DNA position 2288, G replaced by A.
Protein change: p.Gly763Asp; replaces glycine 763 with aspartic acid.
Molecular consequence: missense variant.
Genome position (GRCh38, 1-based): chr17:61,743,104, C>T on the plus strand (G>A on the coding strand, the complement: BRIP1 is on the minus strand). VCF-style: chr17-61743104-C-T. GRCh37 (hg19) VCF-style: chr17-59820465-C-T.
Other names: short protein forms G763D.
Identifiers: ClinVar variation 821037 (VCV000821037.4), dbSNP rs371484780, ClinGen allele CA8690557.

ClinVar aggregate classification (germline): Uncertain significance (1 of 4 stars; one submission).

Conditions:
Hereditary cancer-predisposing syndrome. Also called: Neoplastic Syndromes, Hereditary; Tumor predisposition; Hereditary Cancer Syndrome; Hereditary neoplastic syndrome. Identifiers: Orphanet 140162, MedGen C0027672, MeSH D009386, MONDO:0015356.

Allele frequency attached by ClinVar (database versions not stated): TOPMed below 0.00001; ExAC 0.00001; gnomAD 0.00001; ESP Exome Variant Server 0.00008.
gnomAD v4.1: 1 of 1,613,816 alleles (0.000062%); highest among the groups gnomAD compares: Non-Finnish European, 0.000085%; no homozygotes.

Submission:

Ambry Genetics
Classification: Uncertain significance for Hereditary cancer-predisposing syndrome. Last evaluated: 2019-02-14. Review status: criteria provided, single submitter. Criteria: Ambry Variant Classification Scheme 2023. Collection method: clinical testing. Allele origin: germline.
Comment: The p.G763D variant (also known as c.2288G>A), located in coding exon 15 of the BRIP1 gene, results from a G to A substitution at nucleotide position 2288. The glycine at codon 763 is replaced by aspartic acid, an amino acid with similar properties. This amino acid position is highly conserved in available vertebrate species. In addition, this alteration is predicted to be deleterious by in silico analysis. Since supporting evidence is limited at this time, the clinical significance of this alteration remains unclear.